The following is an entry in ClinVar:

NM_001330723.2(SNX27):c.1578+119_1578+122del

Gene: SNX27 (sorting nexin 27; plus strand). Cytogenetic location: 1q21.3.
Variant type: Microsatellite.
Coding change: c.1578+119_1578+122del on transcript NM_001330723.2 (MANE Select); bases 119 to 122 of the intron after coding-DNA position 1578, 4 bases deleted (TTAG; older notation c.1578+119_1578+122delTTAG).
Molecular consequence: intron variant. On other transcripts: no sequence alteration (1).
Genome position (GRCh38, 1-based): chr1:151,693,602-151,693,605, TTAG deleted; deleting any 4 consecutive bases within chr1:151,693,598-151,693,605 gives the same sequence; the c. name uses the placement nearest the transcript's 3' end. VCF-style (leftmost placement, unchanged base first): chr1-151693597-ATTAG-A. GRCh37 (hg19) VCF-style: chr1-151666073-ATTAG-A.
Other names: c.1584TTAG[1], p.Tyr528_Ter529= (NM_030918.6).
Identifiers: ClinVar variation 1002677 (VCV001002677.6), dbSNP rs748138783, ClinGen allele CA1093735.

ClinVar aggregate classification (germline): Uncertain significance (1 of 4 stars; one submission).

Conditions:
Severe myoclonic epilepsy in infancy (DRVT). Also called: Epileptic encephalopathy, early infantile, 6 (Dravet syndrome); SEVERE MYOCLONIC EPILEPSY OF INFANCY; DEVELOPMENTAL AND EPILEPTIC ENCEPHALOPATHY 6A; Severe Myoclonic Epilepsy in Infancy (SMEI); Dravet syndrome. Identifiers: Orphanet 33069, MedGen C0751122, MONDO:0100135, OMIM 607208.

Submission:

Labcorp Genetics (formerly Invitae), Labcorp
Classification: Uncertain significance for Severe myoclonic epilepsy in infancy. Last evaluated: 2024-05-15. Review status: criteria provided, single submitter. Criteria: Invitae Variant Classification Sherloc (09022015). Collection method: clinical testing. Allele origin: germline.
Comment: This variant occurs in a non-coding region of the SNX27 gene. It does not change the encoded amino acid sequence of the SNX27 protein. This variant is present in population databases (rs748138783, gnomAD 0.005%). This variant has not been reported in the literature in individuals affected with SNX27-related conditions. Experimental studies and prediction algorithms are not available or were not evaluated, and the functional significance of this variant is currently unknown. In summary, the available evidence is currently insufficient to determine the role of this variant in disease. Therefore, it has been classified as a Variant of Uncertain Significance.